The following is an entry in ClinVar:

NM_000287.4(PEX6):c.315G>A (p.Trp105Ter)

Gene: PEX6 (peroxisomal biogenesis factor 6; minus strand). Cytogenetic location: 6p21.1.
Variant type: single nucleotide variant.
Coding change: c.315G>A on transcript NM_000287.4 (MANE Select); coding-DNA position 315, G replaced by A.
Protein change: p.Trp105Ter; replaces tryptophan 105 with a stop codon.
Molecular consequence: nonsense. On other transcripts: non-coding transcript variant (1).
Genome position (GRCh38, 1-based): chr6:42,978,836, C>T on the plus strand (G>A on the coding strand, the complement: PEX6 is on the minus strand). VCF-style: chr6-42978836-C-T. GRCh37 (hg19) VCF-style: chr6-42946574-C-T.
Other names: c.315G>A, p.Trp105Ter (NM_001316313.2); short protein forms W105*.
Identifiers: ClinVar variation 2032354 (VCV002032354.6), dbSNP rs745382616, ClinGen allele CA3811636.
Genomic context (GRCh38, chr6:42,978,836, plus strand): 5'-CACCAGCAGCGGCCCGACTCGCGGTCCGAGCCCAGGCCCCAGCGAGGTGCCAAGCAGTGC[C>T]CAACCTAGCGCCGGGGGCCGCCGCACCGCCCGCGCCCGCACCCAGGCCCCGGAGCCCAGT-3'

ClinVar aggregate classification (germline): Pathogenic. Review status: criteria provided, multiple submitters, no conflicts (2 of 4 stars). 3 submissions from 3 submitters: Pathogenic (3). Last evaluated 2025-06-17.

Conditions:
Peroxisome biogenesis disorder. Identifiers: Orphanet 79189, MedGen C1832200, MONDO:0019234. Disease mechanism: loss of function.
Heimler syndrome 2 (HMLR2). Also called: PEROXISOME BIOGENESIS DISORDER 4C. Identifiers: Orphanet 3220, MedGen C4225267, OMIM 616617, MONDO:0014709.

Allele frequency attached by ClinVar (database versions not stated): gnomAD exomes below 0.00001; ExAC 0.00009.
gnomAD v4.1: 4 of 1,530,298 alleles (0.00026%); highest among the groups gnomAD compares: South Asian, 0.0024%; no homozygotes.

Submissions (3):

Myriad Genetics, Inc.
Classification: Pathogenic for Peroxisome biogenesis disorder. Last evaluated: 2025-06-17. Review status: criteria provided, single submitter. Criteria: Myriad Autosomal Dominant, Autosomal Recessive and X-Linked Classification Criteria (2023). Collection method: clinical testing. Allele origin: unknown.
Comment: NM_000287.3(PEX6):c.315G>A(W105*) is a nonsense variant classified as pathogenic in the context of peroxisome biogenesis disorder type 4. W105* has been observed in a case with relevant disease (PMID: 39013483). Relevant functional assessments of this variant are not available in the literature. W105* has been observed in referenced population frequency databases. In summary, NM_000287.3(PEX6):c.315G>A(W105*) is a nonsense variant in a gene where loss of function is a known mechanism of disease, is predicted to disrupt protein function, and has been observed more frequently in cases with the relevant disease than in healthy populations. Please note: this variant was assessed in the context of healthy population screening.

Labcorp Genetics (formerly Invitae), Labcorp
Classification: Pathogenic for Peroxisome biogenesis disorder. Last evaluated: 2023-07-12. Review status: criteria provided, single submitter. Criteria: Invitae Variant Classification Sherloc (09022015). Collection method: clinical testing. Allele origin: germline.
Comment: This sequence change creates a premature translational stop signal (p.Trp105*) in the PEX6 gene. It is expected to result in an absent or disrupted protein product. Loss-of-function variants in PEX6 are known to be pathogenic (PMID: 8670792, 19877282, 21031596). The frequency data for this variant in the population databases is considered unreliable, as metrics indicate poor data quality at this position in the gnomAD database. This variant has not been reported in the literature in individuals affected with PEX6-related conditions. ClinVar contains an entry for this variant (Variation ID: 2032354). For these reasons, this variant has been classified as Pathogenic.

Baylor Genetics
Classification: Pathogenic for Heimler syndrome 2. Last evaluated: 2023-05-08. Review status: criteria provided, single submitter. Criteria: ACMG Guidelines, 2015. Collection method: clinical testing. Allele origin: unknown.

Literature cited by the submitters: PubMed 39013483 (cited by Myriad Genetics, Inc.); PubMed 8670792 (cited by Labcorp Genetics (formerly Invitae), Labcorp); PubMed 19877282 (cited by Labcorp Genetics (formerly Invitae), Labcorp); PubMed 21031596 (cited by Labcorp Genetics (formerly Invitae), Labcorp).